The following is an entry in ClinVar:

ClinVar aggregate classification (germline): Likely benign (1 of 4 stars; one submission).

Conditions:
FBXO38-related disorder. Also called: FBXO38-related condition.

Submission:

PreventionGenetics, part of Exact Sciences
Classification: Likely benign for FBXO38-related condition. Last evaluated: 2026-05-12. Review status: criteria provided, single submitter. Criteria: ACMG Guidelines, 2015. Collection method: clinical testing. Allele origin: germline.
Comment: This variant is classified as likely benign based on ACMG/AMP sequence variant interpretation guidelines (Richards et al. 2015 PMID: 25741868, with internal and published modifications).

NM_205836.3(FBXO38):c.*2T>C

Gene: FBXO38 (F-box protein 38; plus strand). Cytogenetic location: 5q32.
Variant type: single nucleotide variant.
Coding change: c.*2T>C on transcript NM_205836.3 (MANE Select); 2 bases downstream of the stop codon, T replaced by C.
Molecular consequence: 3 prime UTR variant.
Genome position (GRCh38, 1-based): chr5:148,442,149, T>C. VCF-style: chr5-148442149-T-C. GRCh37 (hg19) VCF-style: chr5-147821712-T-C.
Other names: c.*2T>C (NM_001271723.2, NM_030793.5).
Identifiers: ClinVar variation 4984999 (VCV004984999.1).